The following is an entry in ClinVar:

NM_000143.4(FH):c.268-12G>C

Gene: FH (fumarate hydratase; minus strand). Cytogenetic location: 1q43.
Variant type: single nucleotide variant.
Coding change: c.268-12G>C on transcript NM_000143.4 (MANE Select); 12 bases into the intron before coding-DNA position 268, G replaced by C.
Molecular consequence: intron variant.
Genome position (GRCh38, 1-based): chr1:241,513,725, C>G on the plus strand (G>C on the coding strand, the complement: FH is on the minus strand). VCF-style: chr1-241513725-C-G. GRCh37 (hg19) VCF-style: chr1-241677025-C-G.
Identifiers: ClinVar variation 3710014 (VCV003710014.3).
Genomic context (GRCh38, chr1:241,513,725, plus strand): 5'-CTTCAGCGGCCGCTCGCTTCAAGATGCCAAAAGCTTTAATAACTGGGGTCTAAAATTAAT[C>G]AGAAAAATATTTCAAATTTACAATTTTACTTAAGCATGGAAGTTTATTATTTTGGCAGAT-3'

ClinVar aggregate classification (germline): Likely benign. Review status: criteria provided, multiple submitters, no conflicts (2 of 4 stars). 2 submissions from 2 submitters: Likely benign (2). Last evaluated 2025-08-13.

Conditions:
Hereditary leiomyomatosis and renal cell cancer. Also called: MULTIPLE CUTANEOUS AND UTERINE LEIOMYOMATA 1, WITH OR WITHOUT RENAL CELL CARCINOMA; LEIOMYOMA, MULTIPLE CUTANEOUS; FH tumor predisposition syndrome; Reed syndrome; Multiple cutaneous and uterine leiomyomatosis; Cutaneous leiomyomata with uterine leiomyomata. Identifiers: Orphanet 523, MedGen C1708350, MONDO:0007888, OMIM 150800, HP:0007437. Disease mechanism: loss of function.

gnomAD v4.1: 1 of 1,605,214 alleles (0.000062%); highest among the groups gnomAD compares: Non-Finnish European, 0.000085%; no homozygotes.

Submissions (2):

Labcorp Genetics (formerly Invitae), Labcorp
Classification: Likely benign. Last evaluated: 2025-08-13. Review status: criteria provided, single submitter. Criteria: Invitae Variant Classification Sherloc (09022015). Collection method: clinical testing. Allele origin: germline.

Myriad Genetics, Inc.
Classification: Likely benign for Hereditary leiomyomatosis and renal cell cancer. Last evaluated: 2024-10-17. Review status: criteria provided, single submitter. Criteria: Myriad Autosomal Dominant, Autosomal Recessive and X-Linked Classification Criteria (2023). Collection method: clinical testing. Allele origin: unknown.
Comment: This variant is considered likely benign. This variant is intronic and is not expected to impact mRNA splicing.